The following is an entry in ClinVar:

ClinVar aggregate classification (germline): Conflicting classifications of pathogenicity. Review status: criteria provided, conflicting classifications (1 of 4 stars). 4 submissions from 4 submitters: Uncertain significance (1); Benign (2); Likely benign (1). Last evaluated 2025-12-07.

Conditions:
Autosomal recessive limb-girdle muscular dystrophy type 2U. Also called: Muscular dystrophy-dystroglycanopathy (limb-girdle), type c, 7; MUSCULAR DYSTROPHY, LIMB-GIRDLE, TYPE 2U. Identifiers: Orphanet 352479, MedGen C5190987, MONDO:0014474, OMIM 616052.
Muscular dystrophy-dystroglycanopathy (congenital with brain and eye anomalies), type A, 7. Also called: WALKER-WARBURG SYNDROME OR MUSCLE-EYE-BRAIN DISEASE, ISPD-RELATED; Congenital muscular dystrophy-dystroglycanopathy with brain and eye anomalies, type A7. Identifiers: Orphanet 899, MedGen C3553330, MONDO:0013835, OMIM 614643.
CRPPA-related disorder.

Allele frequency attached by ClinVar (database versions not stated): gnomAD 0.00009 and 0.00017; TOPMed 0.00009; gnomAD exomes 0.00033 and 0.00053; ESP Exome Variant Server 0.00034; 1000 Genomes Project 0.00040; 1000 Genomes Project 30x 0.00047; ExAC 0.00065.
gnomAD v4.1: 499 of 1,582,926 alleles (0.032%); highest among the groups gnomAD compares: South Asian, 0.36%; 5 homozygotes.

Submissions (4):

Labcorp Genetics (formerly Invitae), Labcorp
Classification: Benign for Muscular dystrophy-dystroglycanopathy (congenital with brain and eye anomalies), type A, 7; Autosomal recessive limb-girdle muscular dystrophy type 2U. Last evaluated: 2025-12-07. Review status: criteria provided, single submitter. Criteria: Invitae Variant Classification Sherloc (09022015). Collection method: clinical testing. Allele origin: germline.

PreventionGenetics, part of Exact Sciences
Classification: Likely benign for CRPPA-related condition. Last evaluated: 2025-03-12. Review status: criteria provided, single submitter. Criteria: ACMG Guidelines, 2015. Collection method: clinical testing. Allele origin: germline.
Comment: This variant is classified as likely benign based on ACMG/AMP sequence variant interpretation guidelines (Richards et al. 2015 PMID: 25741868, with internal and published modifications).

Blueprint Genetics
Classification: Benign. Last evaluated: 2023-11-22. Review status: criteria provided, single submitter. Criteria: ACMG Guidelines, 2015. Collection method: clinical testing. Allele origin: germline.

Eurofins Ntd Llc (ga)
Classification: Uncertain significance. Last evaluated: 2016-07-12. Review status: criteria provided, single submitter. Criteria: EGL Classification Definitions 2015. Collection method: clinical testing. Allele origin: germline. Observed: 1 variant allele, 1 heterozygote.

NM_001101426.4(CRPPA):c.1246C>T (p.Pro416Ser)

Genes: CRPPA (CDP-L-ribitol pyrophosphorylase A; minus strand), CRPPA-AS1 (CRPPA antisense RNA 1; plus strand). Cytogenetic location: 7p21.2.
Variant type: single nucleotide variant.
Coding change: c.1246C>T on transcript NM_001101426.4 (MANE Select); coding-DNA position 1246, C replaced by T.
Protein change: p.Pro416Ser; replaces proline 416 with serine.
Molecular consequence: missense variant. On other transcripts: non-coding transcript variant (1).
Genome position (GRCh38, 1-based): chr7:16,216,071, G>A on the plus strand (C>T on the coding strand, the complement: CRPPA is on the minus strand). VCF-style: chr7-16216071-G-A. GRCh37 (hg19) VCF-style: chr7-16255696-G-A.
Other names: c.1096C>T, p.Pro366Ser (NM_001101417.4); c.1141C>T, p.Pro381Ser (NM_001368197.1); short protein forms P416S, P381S, P366S.
Identifiers: ClinVar variation 289346 (VCV000289346.20), dbSNP rs373134516, ClinGen allele CA4169349.